The following is an entry in ClinVar:

ClinVar aggregate classification (germline): Uncertain significance. Review status: criteria provided, multiple submitters, no conflicts (2 of 4 stars). 3 submissions from 3 submitters: Uncertain significance (3). Last evaluated 2024-06-06.

Conditions:
Basal cell carcinoma, susceptibility to, 1. Also called: BCC1. Identifiers: MedGen C2751544, MONDO:0011556, OMIM 605462.
Medulloblastoma (MDB). Also called: MEDULLOBLASTOMA PREDISPOSITION SYNDROME; Medulloblastoma, somatic. Identifiers: Orphanet 616, MedGen C0025149, MeSH D008527, MONDO:0007959, OMIM 155255, HP:0002885.
Gorlin syndrome. Also called: Nevoid Basal Cell Carcinoma Syndrome; Basal cell nevus syndrome. Identifiers: Orphanet 377, MedGen C0004779, MONDO:0007187.

Allele frequency attached by ClinVar (database versions not stated): gnomAD 0.00001; ExAC 0.00003; TOPMed 0.00003; gnomAD exomes 0.00004 and 0.00010.
gnomAD v4.1: 145 of 1,611,034 alleles (0.009%); highest among the groups gnomAD compares: Non-Finnish European, 0.012%; no homozygotes.

Submissions (3):

Fulgent Genetics
Classification: Uncertain significance for Medulloblastoma; Basal cell carcinoma, susceptibility to, 1. Last evaluated: 2024-06-06. Review status: criteria provided, single submitter. Criteria: ACMG Guidelines, 2015. Collection method: clinical testing. Allele origin: germline.

Labcorp Genetics (formerly Invitae), Labcorp
Classification: Uncertain significance for Gorlin syndrome. Last evaluated: 2024-02-20. Review status: criteria provided, single submitter. Criteria: Invitae Variant Classification Sherloc (09022015). Collection method: clinical testing. Allele origin: germline.
Comment: This sequence change replaces arginine, which is basic and polar, with tryptophan, which is neutral and slightly polar, at codon 175 of the PTCH2 protein (p.Arg175Trp). This variant is present in population databases (rs777212373, gnomAD 0.009%). This variant has not been reported in the literature in individuals affected with PTCH2-related conditions. ClinVar contains an entry for this variant (Variation ID: 1003202). An algorithm developed to predict the effect of missense changes on protein structure and function (PolyPhen-2) suggests that this variant is likely to be disruptive. In summary, the available evidence is currently insufficient to determine the role of this variant in disease. Therefore, it has been classified as a Variant of Uncertain Significance.

St. Jude Molecular Pathology, St. Jude Children's Research Hospital
Classification: Uncertain significance for Gorlin syndrome. Last evaluated: 2021-10-28. Review status: criteria provided, single submitter. Criteria: St. Jude Assertion Criteria 2020. Collection method: clinical testing. Allele origin: germline.
Comment: The PTCH2 c.523C>T (p.Arg175Trp) missense change has a maximum subpopulation frequency of 0.0085% in gnomAD v2.1.1). Six of seven in silico tools predict a deleterious effect of this variant on protein function (PP3), but to our knowledge these predictions have not been confirmed by functional assays. To our knowledge, this variant has not been reported in individuals with Gorlin syndrome. In summary, this variant meets criteria to be classified as of uncertain significance based on the ACMG/AMP criteria: PP3.

NM_003738.5(PTCH2):c.523C>T (p.Arg175Trp)

Gene: PTCH2 (patched 2; minus strand). Cytogenetic location: 1p34.1.
Variant type: single nucleotide variant.
Coding change: c.523C>T on transcript NM_003738.5 (MANE Select); coding-DNA position 523, C replaced by T.
Protein change: p.Arg175Trp; replaces arginine 175 with tryptophan.
Molecular consequence: missense variant.
Genome position (GRCh38, 1-based): chr1:44,831,977, G>A on the plus strand (C>T on the coding strand, the complement: PTCH2 is on the minus strand). VCF-style: chr1-44831977-G-A. GRCh37 (hg19) VCF-style: chr1-45297649-G-A.
Other names: c.523C>T, p.Arg175Trp (NM_001166292.2); short protein forms R175W.
Identifiers: ClinVar variation 1003202 (VCV001003202.14), dbSNP rs777212373, ClinGen allele CA823605.